The following is an entry in ClinVar:

ClinVar aggregate classification (germline): Uncertain significance (1 of 4 stars; one submission).

Conditions:
Ataxia-telangiectasia syndrome (AT). Also called: Ataxia-telangiectasia, complementation group D; AT, COMPLEMENTATION GROUP C; ATAXIA-TELANGIECTASIA, COMPLEMENTATION GROUP A; ATAXIA-TELANGIECTASIA, FRESNO VARIANT; Ataxia-telangiectasia; Ataxia-telangiectasia, complementation group E. Identifiers: Orphanet 100, MedGen C0004135, MONDO:0008840, OMIM 208900.

Submission:

Labcorp Genetics (formerly Invitae), Labcorp
Classification: Uncertain significance for Ataxia-telangiectasia syndrome. Last evaluated: 2025-01-08. Review status: criteria provided, single submitter. Criteria: Invitae Variant Classification Sherloc (09022015). Collection method: clinical testing. Allele origin: germline.
Comment: This sequence change replaces valine, which is neutral and non-polar, with leucine, which is neutral and non-polar, at codon 2906 of the ATM protein (p.Val2906Leu). This variant is not present in population databases (gnomAD no frequency). This variant has not been reported in the literature in individuals affected with ATM-related conditions. Invitae Evidence Modeling of protein sequence and biophysical properties (such as structural, functional, and spatial information, amino acid conservation, physicochemical variation, residue mobility, and thermodynamic stability) indicates that this missense variant is expected to disrupt ATM protein function with a positive predictive value of 95%. In summary, the available evidence is currently insufficient to determine the role of this variant in disease. Therefore, it has been classified as a Variant of Uncertain Significance.

NM_000051.4(ATM):c.8716G>C (p.Val2906Leu)

Genes: ATM (ATM serine/threonine kinase; plus strand), C11orf65 (chromosome 11 open reading frame 65; minus strand). Cytogenetic location: 11q22.3.
Variant type: single nucleotide variant.
Coding change: c.8716G>C on transcript NM_000051.4 (MANE Select); coding-DNA position 8716, G replaced by C.
Protein change: p.Val2906Leu; replaces valine 2906 with leucine.
Molecular consequence: missense variant. On other transcripts: intron variant (2).
Genome position (GRCh38, 1-based): chr11:108,353,810, G>C. VCF-style: chr11-108353810-G-C. GRCh37 (hg19) VCF-style: chr11-108224537-G-C.
Other names: c.8716G>C, p.Val2906Leu (NM_001351834.2); c.640+32110C>G (NM_001330368.2); c.695-18518C>G (NM_001351110.2); short protein forms V2906L.
Identifiers: ClinVar variation 3684068 (VCV003684068.2).
Genomic context (GRCh38, chr11:108,353,810, plus strand): 5'-GTATTCTTTACTTTAGGTGTTGCTTTTGAACAGGGCAAAATCCTTCCTACTCCTGAGACA[G>C]TTCCTTTTAGACTCACCAGAGATATTGTGGATGGCATGGGCATTACGGGTGTTGAAGGTG-3'
Protein context (NP_000042.3, residues 2896-2916): QGKILPTPET[Val2906Leu]PFRLTRDIVD